The following is an entry in ClinVar:

NM_016180.5(SLC45A2):c.886C>T (p.Gln296Ter)

Gene: SLC45A2 (solute carrier family 45 member 2; minus strand). Cytogenetic location: 5p13.2.
Variant type: single nucleotide variant.
Coding change: c.886C>T on transcript NM_016180.5 (MANE Select); coding-DNA position 886, C replaced by T.
Protein change: p.Gln296Ter; replaces glutamine 296 with a stop codon.
Molecular consequence: nonsense. On other transcripts: intron variant (1).
Genome position (GRCh38, 1-based): chr5:33,963,693, G>A on the plus strand (C>T on the coding strand, the complement: SLC45A2 is on the minus strand). VCF-style: chr5-33963693-G-A. GRCh37 (hg19) VCF-style: chr5-33963798-G-A.
Other names: c.886C>T, p.Gln296Ter (NM_001012509.4); c.563-9189C>T (NM_001297417.4); short protein forms Q296*.
Identifiers: ClinVar variation 2910187 (VCV002910187.3), dbSNP rs1264884144, ClinGen allele CA359392834.

ClinVar aggregate classification (germline): Pathogenic (1 of 4 stars; one submission).

Allele frequency attached by ClinVar (database versions not stated): gnomAD exomes below 0.00001.
gnomAD v4.1: 3 of 1,613,722 alleles (0.00019%); highest among the groups gnomAD compares: Non-Finnish European, 0.000085%; no homozygotes.

Submission:

Labcorp Genetics (formerly Invitae), Labcorp
Classification: Pathogenic. Last evaluated: 2023-06-28. Review status: criteria provided, single submitter. Criteria: Invitae Variant Classification Sherloc (09022015). Collection method: clinical testing. Allele origin: germline.
Comment: This premature translational stop signal has been observed in individual(s) with SLC45A2-related conditions (PMID: 29345414). This variant is present in population databases (no rsID available, gnomAD 0.004%). This sequence change creates a premature translational stop signal (p.Gln296*) in the SLC45A2 gene. It is expected to result in an absent or disrupted protein product. Loss-of-function variants in SLC45A2 are known to be pathogenic (PMID: 21458243, 26573111). Algorithms developed to predict the effect of sequence changes on RNA splicing suggest that this variant may disrupt the consensus splice site. For these reasons, this variant has been classified as Pathogenic.

Literature cited by the submitters: PubMed 29345414; PubMed 21458243; PubMed 26573111.